The following is an entry in ClinVar:

NM_138387.4(G6PC3):c.979C>G (p.Leu327Val)

Gene: G6PC3 (glucose-6-phosphatase catalytic subunit 3; plus strand). Cytogenetic location: 17q21.31.
Variant type: single nucleotide variant.
Coding change: c.979C>G on transcript NM_138387.4 (MANE Select); coding-DNA position 979, C replaced by G.
Protein change: p.Leu327Val; replaces leucine 327 with valine.
Molecular consequence: missense variant. On other transcripts: 3 prime UTR variant (1).
Genome position (GRCh38, 1-based): chr17:44,075,981, C>G. VCF-style: chr17-44075981-C-G. GRCh37 (hg19) VCF-style: chr17-42153349-C-G.
Other names: c.*272C>G (NM_001319945.2); c.634C>G, p.Leu212Val (NM_001384165.1, NM_001384166.1, NM_001384167.1 and 1 more transcripts); short protein forms L327V, L212V.
Identifiers: ClinVar variation 5022103 (VCV005022103.1).
Genomic context (GRCh38, chr17:44,075,981, plus strand): 5'-AGCCTCTTCTACATTTTCAATTTCCTCAAGTACACCCTCTGGCCATGCCTAGTCCTGGCC[C>G]TCGTGCCCTGGGCAGTGCACATGTTCAGTGCCCAGGAAGCACCGCCCATCCACTCTTCCT-3'
Protein context (NP_612396.1, residues 317-337): YTLWPCLVLA[Leu327Val]VPWAVHMFSA

ClinVar aggregate classification (germline): Uncertain significance (1 of 4 stars; one submission).

Conditions:
Inborn genetic diseases. Identifiers: MedGen C0950123, MeSH D030342.

Submission:

Ambry Genetics
Classification: Uncertain significance for Inborn genetic diseases. Last evaluated: 2026-09-02. Review status: criteria provided, single submitter. Criteria: Ambry Variant Classification Scheme 2023. Collection method: clinical testing. Allele origin: germline.
Comment: The p.L327V variant (also known as c.979C>G), located in coding exon 6 of the G6PC3 gene, results from a C to G substitution at nucleotide position 979. The leucine at codon 327 is replaced by valine, an amino acid with highly similar properties. This amino acid position is conserved. In addition, the in silico prediction for this alteration is inconclusive. Based on the available evidence, the clinical significance of this variant remains unclear.